The following is an entry in ClinVar:

NM_001004127.3(ALG11):c.1A>G (p.Met1Val)

Genes: ALG11 (ALG11 alpha-1,2-mannosyltransferase; plus strand), LOC130009841 (ATAC-STARR-seq lymphoblastoid active region 7785; plus strand). Cytogenetic location: 13q14.3.
Variant type: single nucleotide variant.
Coding change: c.1A>G on transcript NM_001004127.3 (MANE Select); coding-DNA position 1, A replaced by G.
Protein change: p.Met1Val; changes the start codon (methionine 1).
Molecular consequence: missense variant, initiator codon variant. On other transcripts: non-coding transcript variant (1).
Genome position (GRCh38, 1-based): chr13:52,012,419, A>G. VCF-style: chr13-52012419-A-G. GRCh37 (hg19) VCF-style: chr13-52586555-A-G.
Other names: short protein forms M1V.
Identifiers: ClinVar variation 1028907 (VCV001028907.3), dbSNP rs921941078, ClinGen allele CA250092742.

ClinVar aggregate classification (germline): Likely pathogenic. Review status: criteria provided, multiple submitters, no conflicts (2 of 4 stars). 2 submissions from 2 submitters: Likely pathogenic (2). Last evaluated 2023-02-23.

Conditions:
ALG11-related disorder. Also called: ALG11-related condition.
ALG11-congenital disorder of glycosylation. Also called: CONGENITAL DISORDER OF GLYCOSYLATION, TYPE Ip; ALG11-CDG. Identifiers: Orphanet 280071, MedGen C3150913, MONDO:0013349, OMIM 613661.

Submissions (2):

Blueprint Genetics
Classification: Likely pathogenic for ALG11-related disorders. Last evaluated: 2023-02-23. Review status: criteria provided, single submitter. Criteria: ACMG Guidelines, 2015. Collection method: clinical testing. Allele origin: germline. Affected: yes. Observed: 3 variant alleles.

Baylor Genetics
Classification: Likely pathogenic for ALG11-congenital disorder of glycosylation. Last evaluated: 2019-08-27. Review status: criteria provided, single submitter. Criteria: ACMG Guidelines, 2015. Collection method: clinical testing. Allele origin: unknown. Affected: yes.
Comment: This variant was determined to be likely pathogenic according to ACMG Guidelines, 2015 [PMID:25741868].